The following is an entry in ClinVar:

NM_003742.4(ABCB11):c.2150A>G (p.His717Arg)

Gene: ABCB11 (ATP binding cassette subfamily B member 11; minus strand). Cytogenetic location: 2q31.1.
Variant type: single nucleotide variant.
Coding change: c.2150A>G on transcript NM_003742.4 (MANE Select); coding-DNA position 2150, A replaced by G.
Protein change: p.His717Arg; replaces histidine 717 with arginine.
Molecular consequence: missense variant.
Genome position (GRCh38, 1-based): chr2:168,964,234, T>C on the plus strand (A>G on the coding strand, the complement: ABCB11 is on the minus strand). VCF-style: chr2-168964234-T-C. GRCh37 (hg19) VCF-style: chr2-169820744-T-C.
Other names: short protein forms H717R.
Identifiers: ClinVar variation 4846038 (VCV004846038.1).
Genomic context (GRCh38, chr2:168,964,234, plus strand): 5'-CCATTCCCCCCCATAAGCAGTTGGTGCCTGACCTTTCTATCTTCTTCATAGGTAGACTTA[T>C]GATCTACAACAGCTAATGGAGGTTCGTGCACCAGGTAAGAAAGCTGAGACTTGGAGCGTT-3'
Protein context (NP_003733.2, residues 707-727): VHEPPLAVVD[His717Arg]KSTYEEDRKD

ClinVar aggregate classification (germline): Uncertain significance (1 of 4 stars; one submission).

Conditions:
Familial intrahepatic cholestasis. Identifiers: Orphanet 284385, MedGen CN296401, MONDO:0017290.

gnomAD v4.1: 5 of 1,564,002 alleles (0.00032%); highest among the groups gnomAD compares: East Asian, 0.012%; no homozygotes.

Submission:

Genomenon, Inc
Classification: Uncertain significance for Familial intrahepatic cholestasis. Last evaluated: 2026-04-14. Review status: criteria provided, single submitter. Criteria: Genomenon Sequence Variant Interpretation Standards - Updated. Collection method: curation. Allele origin: germline. Affected: yes.
Comment: ABCB11 p.His717Arg (c.2150A>G) is a missense variant that changes the amino acid at residue 717 from Histidine to Arginine. This variant has been observed in at least one proband with an ABCB11-related disorder (PMID:38341604). It is absent or not present at a significant frequency in gnomAD. In silico models predict that this variant is not damaging. In conclusion, we classify ABCB11 p.His717Arg (c.2150A>G) as a variant of uncertain significance.

Literature cited by the submitters: PubMed 38341604.